The following is an entry in ClinVar:

ClinVar aggregate classification (germline): Uncertain significance (1 of 4 stars; one submission).

Submission:

Women's Health and Genetics/Laboratory Corporation of America, LabCorp
Classification: Uncertain significance. Last evaluated: 2025-07-08. Review status: criteria provided, single submitter. Criteria: LabCorp Variant Classification Summary - May 2015. Collection method: clinical testing. Allele origin: germline.
Comment: Variant summary: HOGA1 c.913C>T (p.Pro305Ser) results in a non-conservative amino acid change in the encoded protein sequence. Algorithms developed to predict the effect of missense changes on protein structure and function all suggest that this variant is likely to be disruptive. The variant was absent in 251064 control chromosomes. The available data on variant occurrences in the general population are insufficient to allow any conclusion about variant significance. To our knowledge, no occurrence of c.913C>T in individuals affected with Primary Hyperoxaluria, Type III and no experimental evidence demonstrating its impact on protein function have been reported. No submitters have cited clinical-significance assessments for this variant to ClinVar. Based on the evidence outlined above, the variant was classified as uncertain significance.

NM_138413.4(HOGA1):c.913C>T (p.Pro305Ser)

Gene: HOGA1 (4-hydroxy-2-oxoglutarate aldolase 1; plus strand). Cytogenetic location: 10q24.2.
Variant type: single nucleotide variant.
Coding change: c.913C>T on transcript NM_138413.4 (MANE Select); coding-DNA position 913, C replaced by T.
Protein change: p.Pro305Ser; replaces proline 305 with serine.
Molecular consequence: missense variant.
Genome position (GRCh38, 1-based): chr10:97,611,588, C>T. VCF-style: chr10-97611588-C-T. GRCh37 (hg19) VCF-style: chr10-99371345-C-T.
Other names: c.424C>T, p.Pro142Ser (NM_001134670.2); short protein forms P142S, P305S.
Identifiers: ClinVar variation 4526099 (VCV004526099.1).